The following is an entry in ClinVar:

NM_033100.4(CDHR1):c.1746G>C (p.Lys582Asn)

Gene: CDHR1 (cadherin related family member 1; plus strand). Cytogenetic location: 10q23.1.
Variant type: single nucleotide variant.
Coding change: c.1746G>C on transcript NM_033100.4 (MANE Select); coding-DNA position 1746, G replaced by C.
Protein change: p.Lys582Asn; replaces lysine 582 with asparagine.
Molecular consequence: missense variant.
Genome position (GRCh38, 1-based): chr10:84,212,371, G>C. VCF-style: chr10-84212371-G-C. GRCh37 (hg19) VCF-style: chr10-85972127-G-C.
Other names: c.1746G>C, p.Lys582Asn (NM_001171971.3); short protein forms K582N.
Identifiers: ClinVar variation 1515943 (VCV001515943.6), dbSNP rs764520994, ClinGen allele CA210386877.
Genomic context (GRCh38, chr10:84,212,371, plus strand): 5'-GTTTATCACACTGCTGGATGTCAATGACCACCCCCCTCAGTTTGGAAAGAGCGTTCAGAA[G>C]AAGACGATGGTGCTAGGGACCCCAGTGAAAATTGAGGTAAGTTTTGGAGGCAGCTGAGCT-3'
Protein context (NP_149091.1, residues 572-592): HPPQFGKSVQ[Lys582Asn]KTMVLGTPVK

ClinVar aggregate classification (germline): Uncertain significance (1 of 4 stars; one submission).

gnomAD v4.1: 3 of 1,614,106 alleles (0.00019%); highest among the groups gnomAD compares: Admixed American, 0.0017%; no homozygotes.

Submission:

Labcorp Genetics (formerly Invitae), Labcorp
Classification: Uncertain significance. Last evaluated: 2021-10-17. Review status: criteria provided, single submitter. Criteria: Invitae Variant Classification Sherloc (09022015). Collection method: clinical testing. Allele origin: germline.
Comment: In summary, the available evidence is currently insufficient to determine the role of this variant in disease. Therefore, it has been classified as a Variant of Uncertain Significance. Advanced modeling of protein sequence and biophysical properties (such as structural, functional, and spatial information, amino acid conservation, physicochemical variation, residue mobility, and thermodynamic stability) performed at Invitae indicates that this missense variant is not expected to disrupt CDHR1 protein function. This sequence change replaces lysine with asparagine at codon 582 of the CDHR1 protein (p.Lys582Asn). The lysine residue is weakly conserved and there is a moderate physicochemical difference between lysine and asparagine. This variant is not present in population databases (ExAC no frequency). This variant has not been reported in the literature in individuals affected with CDHR1-related conditions.